The following is an entry in ClinVar:

NM_024675.4(PALB2):c.2533C>G (p.Pro845Ala)

Gene: PALB2 (partner and localizer of BRCA2; minus strand). Cytogenetic location: 16p12.2.
Variant type: single nucleotide variant.
Coding change: c.2533C>G on transcript NM_024675.4 (MANE Select); coding-DNA position 2533, C replaced by G.
Protein change: p.Pro845Ala; replaces proline 845 with alanine.
Molecular consequence: missense variant. On other transcripts: intron variant (1).
Genome position (GRCh38, 1-based): chr16:23,629,257, G>C on the plus strand (C>G on the coding strand, the complement: PALB2 is on the minus strand). VCF-style: chr16-23629257-G-C. GRCh37 (hg19) VCF-style: chr16-23640578-G-C.
Other names: c.2473C>G, p.Pro825Ala (NM_001407296.1); c.2533C>G, p.Pro845Ala (NM_001407298.1, NM_001407299.1, NM_001407300.1 and 2 more transcripts); c.1648C>G, p.Pro550Ala (NM_001407304.1, NM_001407305.1, NM_001407306.1 and 5 more transcripts); c.2514+383C>G (NM_001407297.1); c.745C>G, p.Pro249Ala (NM_001407312.1, NM_001407313.1); c.67C>G, p.Pro23Ala (NM_001407314.1); short protein forms P845A, P249A, P550A, P23A, P825A.
Identifiers: ClinVar variation 3665038 (VCV003665038.3).
Genomic context (GRCh38, chr16:23,629,257, plus strand): 5'-TTCTGACCTTTAACTCTGAAACCAATTGTAGGTTGCCTGGGTTTATGCTATCAGAAGCAG[G>C]AAGCTCTGCTGTTTCAGTCTGTGAAAACAAAAGTCACATCATTAGTCTACACTTTATGTA-3'
Protein context (NP_078951.2, residues 835-855): SVEQTETAEL[Pro845Ala]ASDSINPGNL

ClinVar aggregate classification (germline): Uncertain significance. Review status: criteria provided, multiple submitters, no conflicts (2 of 4 stars). 2 submissions from 2 submitters: Uncertain significance (2). Last evaluated 2025-04-11.

Conditions:
Hereditary cancer-predisposing syndrome. Also called: Hereditary Cancer Syndrome; Hereditary neoplastic syndrome; Neoplastic Syndromes, Hereditary; Tumor predisposition. Identifiers: Orphanet 140162, MedGen C0027672, MeSH D009386, MONDO:0015356.
Familial cancer of breast. Also called: hereditary breast carcinoma; Hereditary breast cancer; BREAST CANCER, FAMILIAL. Identifiers: Orphanet 227535, MedGen C0346153, MONDO:0016419, OMIM 114480. Disease mechanism: loss of function.

Submissions (2):

Labcorp Genetics (formerly Invitae), Labcorp
Classification: Uncertain significance for Familial cancer of breast. Last evaluated: 2025-04-11. Review status: criteria provided, single submitter. Criteria: Invitae Variant Classification Sherloc (09022015). Collection method: clinical testing. Allele origin: germline.
Comment: This sequence change replaces proline, which is neutral and non-polar, with alanine, which is neutral and non-polar, at codon 845 of the PALB2 protein (p.Pro845Ala). This variant is not present in population databases (gnomAD no frequency). This variant has not been reported in the literature in individuals affected with PALB2-related conditions. ClinVar contains an entry for this variant (Variation ID: 3665038). Invitae Evidence Modeling of protein sequence and biophysical properties (such as structural, functional, and spatial information, amino acid conservation, physicochemical variation, residue mobility, and thermodynamic stability) has been performed for this missense variant. However, the output from this modeling did not meet the statistical confidence thresholds required to predict the impact of this variant on PALB2 protein function. In summary, the available evidence is currently insufficient to determine the role of this variant in disease. Therefore, it has been classified as a Variant of Uncertain Significance.

Color Diagnostics, LLC DBA Color Health
Classification: Uncertain significance for Hereditary cancer-predisposing syndrome. Last evaluated: 2025-04-07. Review status: criteria provided, single submitter. Criteria: ACMG Guidelines, 2015. Collection method: clinical testing. Allele origin: germline.
Comment: This missense variant replaces proline with alanine at codon 845 of the PALB2 protein. Computational prediction suggests that this variant may not impact protein structure and function. To our knowledge, functional studies have not been reported for this variant. This variant has not been reported in individuals affected with PALB2-related disorders in the literature. This variant has not been identified in the general population by the Genome Aggregation Database (gnomAD). The available evidence is insufficient to determine the role of this variant in disease conclusively. Therefore, this variant is classified as a Variant of Uncertain Significance.